The following is an entry in ClinVar:

ClinVar aggregate classification (germline): Benign/Likely benign. Review status: criteria provided, multiple submitters, no conflicts (2 of 4 stars). 2 submissions from 2 submitters: Benign (1); Likely benign (1). Last evaluated 2025-02-16.

Submissions (2):

Laboratory of Genetics, Children's Clinical University Hospital Latvia
Classification: Benign. Last evaluated: 2025-02-16. Review status: criteria provided, single submitter. Criteria: ACMG Guidelines, 2015. Collection method: clinical testing. Allele origin: germline. Affected: yes.

Center for Pediatric Genomic Medicine, Children's Mercy Hospital and Clinics
Classification: Likely benign. Last evaluated: 2015-10-29. Review status: criteria provided, single submitter. Criteria: ACMG Guidelines, 2015. Collection method: clinical testing. Allele origin: germline.
ClinVar note: Converted during submission from Likely Benign to Likely benign.

NC_012920.1(MT-ATP6):m.8856G>A

Gene: MT-ATP6 (mitochondrially encoded ATP synthase 6; plus strand).
Variant type: single nucleotide variant.
Genome position: chrM-8856-G-A.
Identifiers: ClinVar variation 235606 (VCV000235606.4), dbSNP rs878853078, ClinGen allele CA10581373.